The following is an entry in ClinVar:

ClinVar aggregate classification (germline): Conflicting classifications of pathogenicity. Review status: criteria provided, conflicting classifications (1 of 4 stars). 6 submissions from 4 submitters: Uncertain significance (5); Likely benign (1). Last evaluated 2026-05-27.

Conditions:
WNT10A-related disorder. Also called: WNT10A-related disorders; WNT10A-related condition.
Tooth agenesis, selective, 4 (STHAG4). Also called: SUCCEDANEOUS TEETH, AGENESIS OF; TOOTH AGENESIS, SELECTIVE, 4, WITH OR WITHOUT ECTODERMAL DYSPLASIA; LATERAL INCISORS, ABSENCE OF; LATERAL INCISORS, PEGGED OR MISSING. Identifiers: Orphanet 99798, MedGen C1835492, MONDO:0007881, OMIM 150400. Disease mechanism: loss of function.
Odonto-onycho-dermal dysplasia. Identifiers: Orphanet 2721, MedGen C0796093, MONDO:0009773, OMIM 257980.
Schöpf-Schulz-Passarge syndrome. Also called: SchC6pf-Schulz-Passarge syndrome; ECCRINE TUMORS WITH ECTODERMAL DYSPLASIA; KERATOSIS PALMOPLANTARIS WITH CYSTIC EYELIDS, HYPODONTIA, AND HYPOTRICHOSIS. Identifiers: Orphanet 50944, MedGen C1857069, MONDO:0009145, OMIM 224750.

Allele frequency attached by ClinVar (database versions not stated): TOPMed 0.00003; gnomAD exomes 0.00004 and 0.00007; gnomAD 0.00005; ExAC 0.00011; ESP Exome Variant Server 0.00015.
gnomAD v4.1: 60 of 1,614,058 alleles (0.0037%); highest among the groups gnomAD compares: East Asian, 0.031%; no homozygotes.

Submissions (6):

PreventionGenetics, part of Exact Sciences
Classification: Uncertain significance for WNT10A-related condition. Last evaluated: 2026-05-27. Review status: criteria provided, single submitter. Criteria: ACMG Guidelines, 2015. Collection method: clinical testing. Allele origin: germline.
Comment: The WNT10A c.551G>A variant is predicted to result in the amino acid substitution p.Arg184His. This variant was reported the compound heterozygous state in an individual from an ectodermal derivative impairment cohort (Guazzarotti et al. 2018. PubMed ID: 28976000). This variant is reported in 0.075% of alleles in individuals of East Asian descent in gnomAD and has conflicting classifications in ClinVar ranging from uncertain to likely benign (Variation ID: 334401). At this time, the clinical significance of this variant is uncertain due to the absence of conclusive functional and genetic evidence.

Labcorp Genetics (formerly Invitae), Labcorp
Classification: Likely benign for Tooth agenesis, selective, 4; Odonto-onycho-dermal dysplasia. Last evaluated: 2025-12-23. Review status: criteria provided, single submitter. Criteria: Invitae Variant Classification Sherloc (09022015). Collection method: clinical testing. Allele origin: germline.

Fulgent Genetics
Classification: Uncertain significance for Tooth agenesis, selective, 4; Schöpf-Schulz-Passarge syndrome; Odonto-onycho-dermal dysplasia. Last evaluated: 2021-10-21. Review status: criteria provided, single submitter. Criteria: ACMG Guidelines, 2015. Collection method: clinical testing. Allele origin: unknown.

Illumina Laboratory Services, Illumina
Classification: Uncertain significance for Tooth agenesis, selective, 4. Last evaluated: 2018-01-13. Review status: criteria provided, single submitter. Criteria: ICSL Variant Classification Criteria 13 December 2019. Collection method: clinical testing. Allele origin: germline.

Illumina Laboratory Services, Illumina
Classification: Uncertain significance for Schöpf-Schulz-Passarge syndrome. Last evaluated: 2018-01-13. Review status: criteria provided, single submitter. Criteria: ICSL Variant Classification Criteria 13 December 2019. Collection method: clinical testing. Allele origin: germline.

Illumina Laboratory Services, Illumina
Classification: Uncertain significance for Odonto-onycho-dermal dysplasia. Last evaluated: 2018-01-13. Review status: criteria provided, single submitter. Criteria: ICSL Variant Classification Criteria 13 December 2019. Collection method: clinical testing. Allele origin: germline.

NM_025216.3(WNT10A):c.551G>A (p.Arg184His)

Gene: WNT10A (Wnt family member 10A; plus strand). Cytogenetic location: 2q35.
Variant type: single nucleotide variant.
Coding change: c.551G>A on transcript NM_025216.3 (MANE Select); coding-DNA position 551, G replaced by A.
Protein change: p.Arg184His; replaces arginine 184 with histidine.
Molecular consequence: missense variant.
Genome position (GRCh38, 1-based): chr2:218,890,158, G>A. VCF-style: chr2-218890158-G-A. GRCh37 (hg19) VCF-style: chr2-219754880-G-A.
Other names: short protein forms R184H.
Identifiers: ClinVar variation 334401 (VCV000334401.11), dbSNP rs372756514, ClinGen allele CA2113967.